The following is an entry in ClinVar:

NM_001113378.2(FANCI):c.2591G>T (p.Gly864Val)

Gene: FANCI (FA complementation group I; plus strand). Cytogenetic location: 15q26.1.
Variant type: single nucleotide variant.
Coding change: c.2591G>T on transcript NM_001113378.2 (MANE Select); coding-DNA position 2591, G replaced by T.
Protein change: p.Gly864Val; replaces glycine 864 with valine.
Molecular consequence: missense variant. On other transcripts: intron variant (1).
Genome position (GRCh38, 1-based): chr15:89,295,049, G>T. VCF-style: chr15-89295049-G-T. GRCh37 (hg19) VCF-style: chr15-89838280-G-T.
Other names: c.2312G>T, p.Gly771Val (NM_001376910.1); c.2591G>T, p.Gly864Val (NM_001376911.1); c.2456+1052G>T (NM_018193.3); short protein forms G864V, G771V.
Identifiers: ClinVar variation 2719613 (VCV002719613.3), dbSNP rs1321929260, ClinGen allele CA393751025.

ClinVar aggregate classification (germline): Uncertain significance (1 of 4 stars; one submission).

Conditions:
Fanconi anemia (FA). Also called: Fanconi's anemia. Identifiers: Orphanet 84, MedGen C0015625, MeSH D005199, MONDO:0019391.

Allele frequency attached by ClinVar (database versions not stated): TOPMed below 0.00001.

Submission:

Labcorp Genetics (formerly Invitae), Labcorp
Classification: Uncertain significance for Fanconi anemia. Last evaluated: 2023-02-16. Review status: criteria provided, single submitter. Criteria: Invitae Variant Classification Sherloc (09022015). Collection method: clinical testing. Allele origin: germline.
Comment: This sequence change replaces glycine, which is neutral and non-polar, with valine, which is neutral and non-polar, at codon 864 of the FANCI protein (p.Gly864Val). This variant is not present in population databases (gnomAD no frequency). This variant has not been reported in the literature in individuals affected with FANCI-related conditions. An algorithm developed to predict the effect of missense changes on protein structure and function (PolyPhen-2) suggests that this variant is likely to be disruptive. In summary, the available evidence is currently insufficient to determine the role of this variant in disease. Therefore, it has been classified as a Variant of Uncertain Significance.